The following is an entry in ClinVar:

NM_001844.5(COL2A1):c.1934G>C (p.Gly645Ala)

Gene: COL2A1 (collagen type II alpha 1 chain; minus strand). Cytogenetic location: 12q13.11.
Variant type: single nucleotide variant.
Coding change: c.1934G>C on transcript NM_001844.5 (MANE Select); coding-DNA position 1934, G replaced by C.
Protein change: p.Gly645Ala; replaces glycine 645 with alanine.
Molecular consequence: missense variant.
Genome position (GRCh38, 1-based): chr12:47,984,094, C>G on the plus strand (G>C on the coding strand, the complement: COL2A1 is on the minus strand). VCF-style: chr12-47984094-C-G. GRCh37 (hg19) VCF-style: chr12-48377877-C-G.
Other names: c.1727G>C, p.Gly576Ala (NM_033150.3); short protein forms G576A, G645A.
Identifiers: ClinVar variation 811084 (VCV000811084.8), dbSNP rs1592214400, ClinGen allele CA384548801.

ClinVar aggregate classification (germline): Likely pathogenic (1 of 4 stars; one submission).

Submission:

ARUP Laboratories, Molecular Genetics and Genomics, ARUP Laboratories
Classification: Likely pathogenic. Last evaluated: 2018-07-19. Review status: criteria provided, single submitter. Criteria: ARUP Molecular Germline Variant Investigation Process. Collection method: clinical testing. Allele origin: germline.
Comment: The COL2A1 c.1934G>C; p.Gly645Ala variant, to our knowledge, is not reported in the medical literature or in gene-specific databases. It is also absent from general population databases (1000 Genomes Project, Exome Variant Server, and Genome Aggregation Database), indicating it is not a common polymorphism. This variant disrupts the repeating Gly-X-Y sequence motif of the collagen triple helix and is predicted to impair collagen function (Barat-Houari 2016). Based on available information, this variant is considered likely pathogenic. Glycine replacement in the Gly-X-Y repeat accounts for about 34 percent of all variants in the COL2A1 gene and is associated with achondrogenesis type II or hypochondrogenesis (94%) (MIM:200610), spondyloepiphyseal dysplasia congenita (MIM:183900) or spondyloepimetaphyseal dysplasia Strudwick type (70%) (MIM:184250), early onset osteoarthritis (37%), Kniest dysplasia (21%) (MIM:156550), platyspondyly Torrance type (9%) (MIM:151210) and Stickler syndrome (6%) (MIM:108300) (Barat-Houari 2016). References: Barat-Houari M et al. Mutation Update for COL2A1 Gene Variants Associated with Type II Collagenopathies. Hum Mutat. 2016 Jan;37(1):7-15.